The following is an entry in ClinVar:

ClinVar aggregate classification (germline): Uncertain significance. Review status: criteria provided, multiple submitters, no conflicts (2 of 4 stars). 2 submissions from 2 submitters: Uncertain significance (2). Last evaluated 2025-09-24.

Allele frequency attached by ClinVar (database versions not stated): gnomAD exomes 0.00003; ExAC 0.00004; gnomAD 0.00007; TOPMed 0.00004.
gnomAD v4.1: 52 of 1,502,406 alleles (0.0035%); highest among the groups gnomAD compares: Admixed American, 0.0064%; no homozygotes.

Submissions (2):

Labcorp Genetics (formerly Invitae), Labcorp
Classification: Uncertain significance. Last evaluated: 2025-09-24. Review status: criteria provided, single submitter. Criteria: Invitae Variant Classification Sherloc (09022015). Collection method: clinical testing. Allele origin: germline.
Comment: This sequence change replaces glycine, which is neutral and non-polar, with aspartic acid, which is acidic and polar, at codon 173 of the POLE2 protein (p.Gly173Asp). This variant is present in population databases (rs754943640, gnomAD 0.01%). This variant has not been reported in the literature in individuals affected with POLE2-related conditions. ClinVar contains an entry for this variant (Variation ID: 2765959). An algorithm developed to predict the effect of missense changes on protein structure and function (PolyPhen-2) suggests that this variant is likely to be disruptive. In summary, the available evidence is currently insufficient to determine the role of this variant in disease. Therefore, it has been classified as a Variant of Uncertain Significance.

Ambry Genetics
Classification: Uncertain significance. Last evaluated: 2022-01-03. Review status: criteria provided, single submitter. Criteria: Ambry Variant Classification Scheme 2023. Collection method: clinical testing. Allele origin: germline.

NM_002692.4(POLE2):c.518G>A (p.Gly173Asp)

Gene: POLE2 (DNA polymerase epsilon 2, accessory subunit; minus strand). Cytogenetic location: 14q21.3.
Variant type: single nucleotide variant.
Coding change: c.518G>A on transcript NM_002692.4 (MANE Select); coding-DNA position 518, G replaced by A.
Protein change: p.Gly173Asp; replaces glycine 173 with aspartic acid.
Molecular consequence: missense variant.
Genome position (GRCh38, 1-based): chr14:49,666,388, C>T on the plus strand (G>A on the coding strand, the complement: POLE2 is on the minus strand). VCF-style: chr14-49666388-C-T. GRCh37 (hg19) VCF-style: chr14-50133106-C-T.
Other names: c.440G>A, p.Gly147Asp (NM_001197330.2); c.518G>A, p.Gly173Asp (NM_001197331.3, NM_001348384.2); c.287G>A, p.Gly96Asp (NM_001348385.2); c.518G>A (NM_002692.3); short protein forms G147D, G173D, G96D.
Identifiers: ClinVar variation 2765959 (VCV002765959.4), dbSNP rs754943640, ClinGen allele CA7173584.